The following is an entry in ClinVar:

NM_004629.2(FANCG):c.542T>A (p.Leu181Gln)

Gene: FANCG (FA complementation group G; minus strand). Cytogenetic location: 9p13.3.
Variant type: single nucleotide variant.
Coding change: c.542T>A on transcript NM_004629.2 (MANE Select); coding-DNA position 542, T replaced by A.
Protein change: p.Leu181Gln; replaces leucine 181 with glutamine.
Molecular consequence: missense variant.
Genome position (GRCh38, 1-based): chr9:35,077,368, A>T on the plus strand (T>A on the coding strand, the complement: FANCG is on the minus strand). VCF-style: chr9-35077368-A-T. GRCh37 (hg19) VCF-style: chr9-35077365-A-T.
Other names: short protein forms L181Q.
Identifiers: ClinVar variation 4022461 (VCV004022461.1).

ClinVar aggregate classification (germline): Uncertain significance (1 of 4 stars; one submission).

Conditions:
Inborn genetic diseases. Identifiers: MedGen C0950123, MeSH D030342.

Submission:

Ambry Genetics
Classification: Uncertain significance for Inborn genetic diseases. Last evaluated: 2025-03-22. Review status: criteria provided, single submitter. Criteria: Ambry Variant Classification Scheme 2023. Collection method: clinical testing. Allele origin: germline.
Comment: The p.L181Q variant (also known as c.542T>A), located in coding exon 5 of the FANCG gene, results from a T to A substitution at nucleotide position 542. The leucine at codon 181 is replaced by glutamine, an amino acid with dissimilar properties. This amino acid position is conserved. In addition, this alteration is predicted to be deleterious by in silico analysis. Based on the available evidence, the clinical significance of this variant remains unclear.